The following is an entry in ClinVar:

ClinVar aggregate classification (germline): Pathogenic (1 of 4 stars; one submission).

Conditions:
Congenital hyperammonemia, type I. Also called: Carbamoyl phosphate synthetase 1 deficiency; Hyperammonemia due to carbamoyl phosphate synthetase 1 deficiency; CPS 1 deficiency; Carbamyl phosphate synthetase (CPS) deficiency; Carbamoyl-phosphate synthase I deficiency; Carbamoyl phosphate synthetase I deficiency disease. Identifiers: Orphanet 147, MedGen C4082171, MONDO:0009376, OMIM 237300.

Submission:

Labcorp Genetics (formerly Invitae), Labcorp
Classification: Pathogenic for Congenital hyperammonemia, type I. Last evaluated: 2023-08-16. Review status: criteria provided, single submitter. Criteria: Invitae Variant Classification Sherloc (09022015). Collection method: clinical testing. Allele origin: germline.
Comment: This variant is not present in population databases (gnomAD no frequency). This sequence change creates a premature translational stop signal (p.Lys328*) in the CPS1 gene. It is expected to result in an absent or disrupted protein product. Loss-of-function variants in CPS1 are known to be pathogenic (PMID: 21120950). This variant has not been reported in the literature in individuals affected with CPS1-related conditions. Algorithms developed to predict the effect of sequence changes on RNA splicing suggest that this variant may create or strengthen a splice site. For these reasons, this variant has been classified as Pathogenic.

Literature cited by the submitters: PubMed 21120950.

NM_001875.5(CPS1):c.982A>T (p.Lys328Ter)

Gene: CPS1 (carbamoyl-phosphate synthase 1; plus strand). Cytogenetic location: 2q34.
Variant type: single nucleotide variant.
Coding change: c.982A>T on transcript NM_001875.5 (MANE Select); coding-DNA position 982, A replaced by T.
Protein change: p.Lys328Ter; replaces lysine 328 with a stop codon.
Molecular consequence: nonsense. On other transcripts: non-coding transcript variant (1).
Genome position (GRCh38, 1-based): chr2:210,591,865, A>T. VCF-style: chr2-210591865-A-T. GRCh37 (hg19) VCF-style: chr2-211456589-A-T.
Other names: c.982A>T, p.Lys328Ter (NM_001122633.3, NM_001369257.1); c.1015A>T, p.Lys339Ter (NM_001369256.1); short protein forms K339*, K328*.
Identifiers: ClinVar variation 2752722 (VCV002752722.3), dbSNP rs2469123884, ClinGen allele CA350430465.